The following continues an entry in ClinVar:

NC_000011.10:g.47333332dup

Gene: MYBPC3. ClinVar aggregate classification (germline): Pathogenic. Pathogenic (8).

Submission 10 of 10:

Agnes Ginges Centre for Molecular Cardiology, Centenary Institute
Classification: Pathogenic for Hypertrophic cardiomyopathy. Last evaluated: 2020-02-26. Review status: no assertion criteria provided. Collection method: research. Allele origin: germline. Inheritance: Autosomal dominant inheritance. Affected: yes. Not counted in ClinVar's aggregate classification.
Comment: This MYBPC3 Lys1065fs is absent from the Genome Aggregation Database and has been identified in multiple unrelated HCM cases (see references). Based on the adapted ACMG guidelines (Kelly MA, et al., 2018), this variant results in loss of function of MYBPC3 (PVS1), is rare in the general population (PM2) and has been identified in at least 10 probands (PS4_moderate), therefore we classify MYBPC3 Lys1065fs as 'pathogenic'

Literature cited by the submitters: PubMed 19574547 (cited by Labcorp Genetics (formerly Invitae), Labcorp); PubMed 11499719 (cited by Labcorp Genetics (formerly Invitae), Labcorp); PubMed 16858239 (cited by 6 submitters); PubMed 20359594 (cited by 6 submitters); PubMed 23674513 (cited by 6 submitters); PubMed 27483260 (cited by 5 submitters); PubMed 28408708 (cited by 4 submitters); PubMed 32841044 (cited by 3 submitters); PubMed 20031618 (cited by 3 submitters); PubMed 20173211 (cited by 3 submitters); PubMed 21302287 (cited by 4 submitters); PubMed 21835320 (cited by 5 submitters); PubMed 25524337 (cited by All of Us Research Program, National Institutes of Health and Color Diagnostics, LLC DBA Color Health); PubMed 25611685 (cited by All of Us Research Program, National Institutes of Health and Color Diagnostics, LLC DBA Color Health); PubMed 25740977 (cited by 4 submitters); PubMed 26656175 (cited by All of Us Research Program, National Institutes of Health and Color Diagnostics, LLC DBA Color Health); PubMed 26688388 (cited by All of Us Research Program, National Institutes of Health and Color Diagnostics, LLC DBA Color Health); PubMed 27532257 (cited by 4 submitters); PubMed 28615295 (cited by 3 submitters); PubMed 28790153 (cited by All of Us Research Program, National Institutes of Health and Color Diagnostics, LLC DBA Color Health); PubMed 29121657 (cited by All of Us Research Program, National Institutes of Health and Color Diagnostics, LLC DBA Color Health); PubMed 29710196 (cited by All of Us Research Program, National Institutes of Health and Color Diagnostics, LLC DBA Color Health); PubMed 29875424 (cited by All of Us Research Program, National Institutes of Health and Color Diagnostics, LLC DBA Color Health); PubMed 30297972 (cited by All of Us Research Program, National Institutes of Health and Color Diagnostics, LLC DBA Color Health); PubMed 30550750 (cited by All of Us Research Program, National Institutes of Health and Color Diagnostics, LLC DBA Color Health); PubMed 32228044 (cited by All of Us Research Program, National Institutes of Health and Color Diagnostics, LLC DBA Color Health); PubMed 32481709 (cited by All of Us Research Program, National Institutes of Health and Color Diagnostics, LLC DBA Color Health); PubMed 34556856 (cited by All of Us Research Program, National Institutes of Health and Color Diagnostics, LLC DBA Color Health); PubMed 27600940 (cited by Ambry Genetics).